The following is an entry in ClinVar:

NM_000036.3(AMPD1):c.1636T>C (p.Tyr546His)

Gene: AMPD1 (adenosine monophosphate deaminase 1; minus strand). Cytogenetic location: 1p13.2.
Variant type: single nucleotide variant.
Coding change: c.1636T>C on transcript NM_000036.3 (MANE Select); coding-DNA position 1636, T replaced by C.
Protein change: p.Tyr546His; replaces tyrosine 546 with histidine.
Molecular consequence: missense variant.
Genome position (GRCh38, 1-based): chr1:114,675,573, A>G on the plus strand (T>C on the coding strand, the complement: AMPD1 is on the minus strand). VCF-style: chr1-114675573-A-G. GRCh37 (hg19) VCF-style: chr1-115218194-A-G.
Other names: c.1624T>C, p.Tyr542His (NM_001172626.2); short protein forms Y546H, Y542H.
Identifiers: ClinVar variation 4775356 (VCV004775356.1).

ClinVar aggregate classification (germline): Uncertain significance (1 of 4 stars; one submission).

Conditions:
Muscle AMP deaminase deficiency (MMDD). Also called: Myoadenylate deaminase deficiency, myopathy due to; Adenosine monophosphate deaminase 1 deficiency; AMP deaminase 1 deficiency; Adenosine Monophosphate Deaminase 1; ADENOSINE MONOPHOSPHATE DEAMINASE-1 DEFICIENCY, MYOPATHY DUE TO; AMPD1 DEFICIENCY. Identifiers: Orphanet 45, MedGen C3714933, MONDO:0014220, OMIM 615511.

gnomAD v4.1: 5 of 1,614,076 alleles (0.00031%); highest among the groups gnomAD compares: Non-Finnish European, 0.00034%; no homozygotes.

Submission:

Labcorp Genetics (formerly Invitae), Labcorp
Classification: Uncertain significance for Muscle AMP deaminase deficiency. Last evaluated: 2025-10-27. Review status: criteria provided, single submitter. Criteria: Invitae Variant Classification Sherloc (09022015). Collection method: clinical testing. Allele origin: germline.
Comment: This sequence change replaces tyrosine, which is neutral and polar, with histidine, which is basic and polar, at codon 579 of the AMPD1 protein (p.Tyr579His). This variant is present in population databases (no rsID available, gnomAD 0.002%). This variant has not been reported in the literature in individuals affected with AMPD1-related conditions. Invitae Evidence Modeling of protein sequence and biophysical properties (such as structural, functional, and spatial information, amino acid conservation, physicochemical variation, residue mobility, and thermodynamic stability) indicates that this missense variant is expected to disrupt AMPD1 protein function with a positive predictive value of 80%. In summary, the available evidence is currently insufficient to determine the role of this variant in disease. Therefore, it has been classified as a Variant of Uncertain Significance.